The following is an entry in ClinVar:

NM_001868.4(CPA1):c.51GGA[1] (p.Glu18del)

Gene: CPA1 (carboxypeptidase A1; plus strand). Cytogenetic location: 7q32.2.
Variant type: Microsatellite.
Coding change: c.51GGA[1] on transcript NM_001868.4 (MANE Select); one copy of the 3-base unit GGA starting at c.51; the reference has two copies in a row; one copy, 3 bases deleted.
Protein change: p.Glu18del; deletes glutamic acid 18.
Genome position (GRCh38, 1-based): chr7:130,380,574-130,380,576, GGA deleted; deleting any 3 consecutive bases within chr7:130,380,570-130,380,576 gives the same sequence; the position shown is the placement nearest the transcript's 3' end. VCF-style (leftmost placement, unchanged base first): chr7-130380569-AAGG-A. GRCh37 (hg19) VCF-style: chr7-130020410-AAGG-A.
Other names: short protein forms E18del.
Identifiers: ClinVar variation 4841615 (VCV004841615.1).

ClinVar aggregate classification (germline): Uncertain significance (1 of 4 stars; one submission).

Conditions:
Hereditary pancreatitis (PCTT). Also called: Hereditary chronic pancreatitis; PRSS1-Related Hereditary Pancreatitis. Identifiers: Orphanet 676, MedGen C0238339, MONDO:0008185, OMIM 167800.

Submission:

Ambry Genetics
Classification: Uncertain significance for Hereditary pancreatitis. Last evaluated: 2025-12-31. Review status: criteria provided, single submitter. Criteria: Ambry Variant Classification Scheme 2023. Collection method: clinical testing. Allele origin: germline.
Comment: The c.54_56delGGA variant (also known as p.E18del) is located in coding exon 1 of the CPA1 gene. This variant results from an in-frame GGA deletion at nucleotide positions 54 to 56. This results in the in-frame deletion of a glutamic acid at codon 18. This amino acid position is highly conserved in available vertebrate species. In addition, this variant is predicted to be deleterious by in silico analysis (Choi Y et al. PLoS ONE. 2012; 7(10):e46688). Based on the available evidence, the clinical significance of this variant remains unclear.